The following is an entry in ClinVar:

ClinVar aggregate classification (germline): Uncertain significance (1 of 4 stars; one submission).

Conditions:
Hereditary cancer-predisposing syndrome. Also called: Neoplastic Syndromes, Hereditary; Tumor predisposition; Hereditary neoplastic syndrome; Hereditary Cancer Syndrome. Identifiers: Orphanet 140162, MedGen C0027672, MeSH D009386, MONDO:0015356.

Submission:

Ambry Genetics
Classification: Uncertain significance for Hereditary cancer-predisposing syndrome. Last evaluated: 2026-09-01. Review status: criteria provided, single submitter. Criteria: Ambry Variant Classification Scheme 2023. Collection method: clinical testing. Allele origin: germline.
Comment: The c.7927+4T>A intronic variant results from a T to A substitution 4 nucleotides after coding exon 52 in the ATM gene. This nucleotide position is not well conserved in available vertebrate species. In silico splice site analysis predicts that this alteration will not have any significant effect on splicing. Based on the available evidence, the clinical significance of this variant remains unclear.

NM_000051.4(ATM):c.7927+4T>A

Genes: ATM (ATM serine/threonine kinase; plus strand), C11orf65 (chromosome 11 open reading frame 65; minus strand). Cytogenetic location: 11q22.3.
Variant type: single nucleotide variant.
Coding change: c.7927+4T>A on transcript NM_000051.4 (MANE Select); 4 bases into the intron after coding-DNA position 7927, T replaced by A.
Molecular consequence: intron variant.
Genome position (GRCh38, 1-based): chr11:108,332,904, T>A. VCF-style: chr11-108332904-T-A. GRCh37 (hg19) VCF-style: chr11-108203631-T-A.
Other names: c.7927+4T>A (NM_001351834.2); c.641-23833A>T (NM_001330368.2); c.*38+2316A>T (NM_001351110.2).
Identifiers: ClinVar variation 5032318 (VCV005032318.1).